The following is an entry in ClinVar:

NM_177438.3(DICER1):c.1145A>G (p.Glu382Gly)

Gene: DICER1 (dicer 1, ribonuclease III; minus strand). Cytogenetic location: 14q32.13.
Variant type: single nucleotide variant.
Coding change: c.1145A>G on transcript NM_177438.3 (MANE Select); coding-DNA position 1145, A replaced by G.
Protein change: p.Glu382Gly; replaces glutamic acid 382 with glycine.
Molecular consequence: missense variant. On other transcripts: 5 prime UTR variant (1), non-coding transcript variant (6).
Genome position (GRCh38, 1-based): chr14:95,124,427, T>C on the plus strand (A>G on the coding strand, the complement: DICER1 is on the minus strand). VCF-style: chr14-95124427-T-C. GRCh37 (hg19) VCF-style: chr14-95590764-T-C.
Other names: c.1145A>G, p.Glu382Gly (NM_001195573.1, NM_001271282.3, NM_001291628.2 and 14 more transcripts); c.863A>G, p.Glu288Gly (NM_001395686.1); c.740A>G, p.Glu247Gly (NM_001395687.1, NM_001395688.1, NM_001395689.1 and 3 more transcripts); c.578A>G, p.Glu193Gly (NM_001395691.1); c.-424A>G (NM_001395697.1); short protein forms E193G, E247G, E288G, E382G.
Identifiers: ClinVar variation 3501838 (VCV003501838.1).
Genomic context (GRCh38, chr14:95,124,427, plus strand): 5'-TTATACCACTCAACGCTTTCAAACTGCTGTCGCTCATATGGTTTATATTTGCGTAAGATT[T>C]CGAGCAGTTTGATTACTTTAGGAGTTACAAATTTCAGGTCAAGTGAGGCAGGTGAGAAGT-3'
Protein context (NP_803187.1, residues 372-392): FVTPKVIKLL[Glu382Gly]ILRKYKPYER

ClinVar aggregate classification (germline): Uncertain significance (1 of 4 stars; one submission).

Conditions:
Hereditary cancer-predisposing syndrome. Also called: Tumor predisposition; Neoplastic Syndromes, Hereditary; Hereditary Cancer Syndrome; Hereditary neoplastic syndrome. Identifiers: Orphanet 140162, MedGen C0027672, MeSH D009386, MONDO:0015356.

Submission:

Ambry Genetics
Classification: Uncertain significance for Hereditary cancer-predisposing syndrome. Last evaluated: 2024-06-26. Review status: criteria provided, single submitter. Criteria: Ambry Variant Classification Scheme 2023. Collection method: clinical testing. Allele origin: germline.
Comment: The p.E382G variant (also known as c.1145A>G), located in coding exon 7 of the DICER1 gene, results from an A to G substitution at nucleotide position 1145. The glutamic acid at codon 382 is replaced by glycine, an amino acid with similar properties. This amino acid position is conserved. In addition, the in silico prediction for this alteration is inconclusive. Based on the available evidence, the clinical significance of this variant remains unclear.